The following is an entry in ClinVar:

ClinVar aggregate classification (germline): Uncertain significance. Review status: criteria provided, multiple submitters, no conflicts (2 of 4 stars). 2 submissions from 2 submitters: Uncertain significance (2). Last evaluated 2025-01-06.

Conditions:
Hereditary cancer-predisposing syndrome. Also called: Neoplastic Syndromes, Hereditary; Hereditary Cancer Syndrome; Tumor predisposition; Hereditary neoplastic syndrome. Identifiers: Orphanet 140162, MedGen C0027672, MeSH D009386, MONDO:0015356.

Allele frequency attached by ClinVar (database versions not stated): TOPMed below 0.00001.

Submissions (2):

Ambry Genetics
Classification: Uncertain significance for Hereditary cancer-predisposing syndrome. Last evaluated: 2025-01-06. Review status: criteria provided, single submitter. Criteria: Ambry Variant Classification Scheme 2023. Collection method: clinical testing. Allele origin: germline.
Comment: The p.S323G variant (also known as c.967A>G), located in coding exon 6 of the MSH3 gene, results from an A to G substitution at nucleotide position 967. The serine at codon 323 is replaced by glycine, an amino acid with similar properties. This amino acid position is conserved. In addition, this alteration is predicted to be tolerated by in silico analysis. Since supporting evidence is limited at this time, the clinical significance of this alteration remains unclear.

Labcorp Genetics (formerly Invitae), Labcorp
Classification: Uncertain significance. Last evaluated: 2023-05-20. Review status: criteria provided, single submitter. Criteria: Invitae Variant Classification Sherloc (09022015). Collection method: clinical testing. Allele origin: germline.
Comment: This sequence change replaces serine, which is neutral and polar, with glycine, which is neutral and non-polar, at codon 323 of the MSH3 protein (p.Ser323Gly). In summary, the available evidence is currently insufficient to determine the role of this variant in disease. Therefore, it has been classified as a Variant of Uncertain Significance. Algorithms developed to predict the effect of missense changes on protein structure and function output the following: SIFT: "Not Available"; PolyPhen-2: "Benign"; Align-GVGD: "Not Available". The glycine amino acid residue is found in multiple mammalian species, which suggests that this missense change does not adversely affect protein function. ClinVar contains an entry for this variant (Variation ID: 1471900). This variant has not been reported in the literature in individuals affected with MSH3-related conditions. This variant is not present in population databases (gnomAD no frequency).

NM_002439.5(MSH3):c.967A>G (p.Ser323Gly)

Genes: MSH3 (mutS homolog 3; plus strand), LOC126807437 (MED14-independent group 3 enhancer GRCh37_chr5:79968379-79969578; plus strand). Cytogenetic location: 5q14.1.
Variant type: single nucleotide variant.
Coding change: c.967A>G on transcript NM_002439.5 (MANE Select); coding-DNA position 967, A replaced by G.
Protein change: p.Ser323Gly; replaces serine 323 with glycine.
Molecular consequence: missense variant.
Genome position (GRCh38, 1-based): chr5:80,672,798, A>G. VCF-style: chr5-80672798-A-G. GRCh37 (hg19) VCF-style: chr5-79968617-A-G.
Other names: short protein forms S323G.
Identifiers: ClinVar variation 1471900 (VCV001471900.9), dbSNP rs1230689084, ClinGen allele CA360267440.